The following is an entry in ClinVar:

ClinVar aggregate classification (germline): Likely pathogenic (1 of 4 stars; one submission).

Conditions:
Autoimmune lymphoproliferative syndrome type 1. Also called: AUTOIMMUNE LYMPHOPROLIFERATIVE SYNDROME, TYPE I, AUTOSOMAL DOMINANT. Identifiers: Orphanet 3261, MedGen C2717884, MONDO:0011158, OMIM 601859.

Allele frequency attached by ClinVar (database versions not stated): gnomAD exomes below 0.00001.
gnomAD v4.1: 1 of 1,613,974 alleles (0.000062%); highest among the groups gnomAD compares: South Asian, 0.0011%; no homozygotes.

Submission:

Labcorp Genetics (formerly Invitae), Labcorp
Classification: Likely pathogenic for Autoimmune lymphoproliferative syndrome. Last evaluated: 2023-03-10. Review status: criteria provided, single submitter. Criteria: Invitae Variant Classification Sherloc (09022015). Collection method: clinical testing. Allele origin: germline.
Comment: This sequence change replaces aspartic acid, which is acidic and polar, with glycine, which is neutral and non-polar, at codon 108 of the FAS protein (p.Asp108Gly). This variant is not present in population databases (gnomAD no frequency). This missense change has been observed in individuals with clinical features of autoimmune lymphoproliferative syndrome (PMID: 22237435; Invitae). ClinVar contains an entry for this variant (Variation ID: 864610). Advanced modeling of protein sequence and biophysical properties (such as structural, functional, and spatial information, amino acid conservation, physicochemical variation, residue mobility, and thermodynamic stability) performed at Invitae indicates that this missense variant is expected to disrupt FAS protein function. Experimental studies have shown that this missense change affects FAS function (PMID: 22237435). This variant disrupts the p.Asp108 amino acid residue in FAS. Other variant(s) that disrupt this residue have been observed in individuals with FAS-related conditions (PMID: 22237435), which suggests that this may be a clinically significant amino acid residue. In summary, the currently available evidence indicates that the variant is pathogenic, but additional data are needed to prove that conclusively. Therefore, this variant has been classified as Likely Pathogenic.

Literature cited by the submitters: PubMed 22237435.

NM_000043.6(FAS):c.323A>G (p.Asp108Gly)

Gene: FAS (Fas cell surface death receptor; plus strand). Cytogenetic location: 10q23.31.
Variant type: single nucleotide variant.
Coding change: c.323A>G on transcript NM_000043.6 (MANE Select); coding-DNA position 323, A replaced by G.
Protein change: p.Asp108Gly; replaces aspartic acid 108 with glycine.
Molecular consequence: missense variant. On other transcripts: non-coding transcript variant (4).
Genome position (GRCh38, 1-based): chr10:89,007,826, A>G. VCF-style: chr10-89007826-A-G. GRCh37 (hg19) VCF-style: chr10-90767583-A-G.
Other names: c.323A>G, p.Asp108Gly (NM_001320619.2, NM_152871.4, NM_152872.4); short protein forms D108G.
Identifiers: ClinVar variation 864610 (VCV000864610.9), dbSNP rs1848315820, ClinGen allele CA377508415.
Genomic context (GRCh38, chr10:89,007,826, plus strand): 5'-GGAAGGAGTACACAGACAAAGCCCATTTTTCTTCCAAATGCAGAAGATGTAGATTGTGTG[A>G]TGAAGGACATGGTAAGAGTCTTAAAATGCAATTGAAAGAGGCCAATCTTGGAATTTCATG-3'
Protein context (NP_000034.1, residues 98-118): SSKCRRCRLC[Asp108Gly]EGHGLEVEIN